The following is an entry in ClinVar:

ClinVar aggregate classification (germline): Pathogenic (1 of 4 stars; one submission).

Conditions:
Rubinstein-Taybi syndrome (RSTS). Identifiers: Orphanet 783, MedGen C0035934, MONDO:0019188.

Submission:

Labcorp Genetics (formerly Invitae), Labcorp
Classification: Pathogenic for Rubinstein-Taybi syndrome. Last evaluated: 2025-03-04. Review status: criteria provided, single submitter. Criteria: Invitae Variant Classification Sherloc (09022015). Collection method: clinical testing. Allele origin: germline.
Comment: This sequence change creates a premature translational stop signal (p.Lys68Asnfs*18) in the CREBBP gene. It is expected to result in an absent or disrupted protein product. Loss-of-function variants in CREBBP are known to be pathogenic (PMID: 17052327, 18792986). This variant is not present in population databases (gnomAD no frequency). This variant has not been reported in the literature in individuals affected with CREBBP-related conditions. For these reasons, this variant has been classified as Pathogenic.

Literature cited by the submitters: PubMed 17052327; PubMed 18792986.

NM_004380.3(CREBBP):c.204_207del (p.Lys68fs)

Gene: CREBBP (CREB binding lysine acetyltransferase; minus strand). Cytogenetic location: 16p13.3.
Variant type: Deletion.
Coding change: c.204_207del on transcript NM_004380.3 (MANE Select); coding-DNA positions 204 to 207, 4 bases deleted (ACAA; older notation c.204_207delACAA).
Protein change: p.Lys68fs; shifts the reading frame from lysine 68.
Molecular consequence: frameshift variant.
Genome position (GRCh38, 1-based): chr16:3,850,888-3,850,891, TTGT deleted on the plus strand (ACAA on the coding strand, the reverse complement: CREBBP is on the minus strand); deleting any 4 consecutive bases within chr16:3,850,888-3,850,893 gives the same sequence; the c. name uses the placement nearest the transcript's 3' end. VCF-style (leftmost placement, unchanged base first): chr16-3850887-GTTGT-G. GRCh37 (hg19) VCF-style: chr16-3900888-GTTGT-G.
Other names: c.204_207del, p.Lys68fs (NM_001079846.1); short protein forms K68fs.
Identifiers: ClinVar variation 4714296 (VCV004714296.1).
Genomic context (GRCh38, chr16:3,850,887, plus strand): 5'-TCACATTTCCTATTCCTGGGTTGATACTAGAGCCGCTGCCTCCTCGTAGAAGCTCCGACA[GTTGT>G]TTATGTTTGGAAGCAGCATCTGGAACAAGGTTCCCACTGTTTAAAAGGCCTAATTCTCCT-3'